The following is an entry in ClinVar:

ClinVar aggregate classification (germline): Uncertain significance. Review status: criteria provided, multiple submitters, no conflicts (2 of 4 stars). 3 submissions from 3 submitters: Uncertain significance (3). Last evaluated 2024-09-11.

Conditions:
Inborn genetic diseases. Identifiers: MedGen C0950123, MeSH D030342.

Allele frequency attached by ClinVar (database versions not stated): ESP Exome Variant Server 0.00023; gnomAD 0.00011; TOPMed 0.00011; ExAC 0.00008; gnomAD exomes 0.00010.
gnomAD v4.1: 199 of 1,613,130 alleles (0.012%); highest among the groups gnomAD compares: Non-Finnish European, 0.015%; 2 homozygotes.

Submissions (3):

Ambry Genetics
Classification: Uncertain significance for Inborn genetic diseases. Last evaluated: 2024-09-11. Review status: criteria provided, single submitter. Criteria: Ambry Variant Classification Scheme 2023. Collection method: clinical testing. Allele origin: germline.

Labcorp Genetics (formerly Invitae), Labcorp
Classification: Uncertain significance. Last evaluated: 2024-05-09. Review status: criteria provided, single submitter. Criteria: Invitae Variant Classification Sherloc (09022015). Collection method: clinical testing. Allele origin: germline.
Comment: This sequence change replaces alanine, which is neutral and non-polar, with valine, which is neutral and non-polar, at codon 2967 of the HSPG2 protein (p.Ala2967Val). This variant is present in population databases (rs201733295, gnomAD 0.02%). This variant has not been reported in the literature in individuals affected with HSPG2-related conditions. ClinVar contains an entry for this variant (Variation ID: 994894). An algorithm developed to predict the effect of missense changes on protein structure and function (PolyPhen-2) suggests that this variant is likely to be disruptive. In summary, the available evidence is currently insufficient to determine the role of this variant in disease. Therefore, it has been classified as a Variant of Uncertain Significance.

Athena Diagnostics
Classification: Uncertain significance. Last evaluated: 2020-02-28. Review status: criteria provided, single submitter. Criteria: Athena Diagnostics Criteria. Collection method: clinical testing. Allele origin: unknown.

NM_005529.7(HSPG2):c.8900C>T (p.Ala2967Val)

Gene: HSPG2 (heparan sulfate proteoglycan 2; minus strand). Cytogenetic location: 1p36.12.
Variant type: single nucleotide variant.
Coding change: c.8900C>T on transcript NM_005529.7 (MANE Select); coding-DNA position 8900, C replaced by T.
Protein change: p.Ala2967Val; replaces alanine 2967 with valine.
Molecular consequence: missense variant.
Genome position (GRCh38, 1-based): chr1:21,842,780, G>A on the plus strand (C>T on the coding strand, the complement: HSPG2 is on the minus strand). VCF-style: chr1-21842780-G-A. GRCh37 (hg19) VCF-style: chr1-22169273-G-A.
Other names: c.8903C>T, p.Ala2968Val (NM_001291860.2); c.8900C>T (NM_005529.5); short protein forms A2967V, A2968V.
Identifiers: ClinVar variation 994894 (VCV000994894.6), dbSNP rs201733295, ClinGen allele CA670627.